The following is an entry in ClinVar:

NM_001367624.2(ZNF469):c.8067G>A (p.Gly2689=)

Gene: ZNF469 (zinc finger protein 469; plus strand). Cytogenetic location: 16q24.2.
Variant type: single nucleotide variant.
Coding change: c.8067G>A on transcript NM_001367624.2 (MANE Select); coding-DNA position 8067, G replaced by A.
Protein change: p.Gly2689=; no amino-acid change (glycine 2689 retained).
Molecular consequence: synonymous variant.
Genome position (GRCh38, 1-based): chr16:88,435,537, G>A. VCF-style: chr16-88435537-G-A. GRCh37 (hg19) VCF-style: chr16-88501945-G-A.
Other names: NM_001127464.1:c.7983G>A; p.Gly2689=.
Identifiers: ClinVar variation 320980 (VCV000320980.19), dbSNP rs116213189, ClinGen allele CA8225305.

ClinVar aggregate classification (germline): Benign/Likely benign. Review status: criteria provided, multiple submitters, no conflicts (2 of 4 stars). 5 submissions from 5 submitters: Benign (3); Likely benign (2). Last evaluated 2026-02-02.

Conditions:
Cardiovascular phenotype. Identifiers: MedGen CN230736.

Allele frequency attached by ClinVar (database versions not stated): gnomAD exomes 0.00060 and 0.00151; ExAC 0.00241; 1000 Genomes Project 0.00619; gnomAD 0.00644 and 0.00697; 1000 Genomes Project 30x 0.00687; TOPMed 0.00781.
gnomAD v4.1: 1,869 of 1,549,602 alleles (0.12%); highest among the groups gnomAD compares: African/African-American, 2.2%; 23 homozygotes.

Submissions (5):

Labcorp Genetics (formerly Invitae), Labcorp
Classification: Benign. Last evaluated: 2026-02-02. Review status: criteria provided, single submitter. Criteria: Invitae Variant Classification Sherloc (09022015). Collection method: clinical testing. Allele origin: germline.

Women's Health and Genetics/Laboratory Corporation of America, LabCorp
Classification: Likely benign. Last evaluated: 2026-01-22. Review status: criteria provided, single submitter. Criteria: LabCorp Variant Classification Summary - May 2015. Collection method: clinical testing. Allele origin: germline.

Mayo Clinic Laboratories, Mayo Clinic
Classification: Benign. Last evaluated: 2024-10-01. Review status: criteria provided, single submitter. Criteria: ACMG Guidelines, 2015. Collection method: clinical testing. Allele origin: germline. Observed: 6 variant alleles.
Comment: BS1, BS2, BP4, BP7

Ambry Genetics
Classification: Likely benign for Cardiovascular phenotype. Last evaluated: 2019-03-01. Review status: criteria provided, single submitter. Criteria: Ambry Variant Classification Scheme 2023. Collection method: clinical testing. Allele origin: germline.

GeneDx
Classification: Benign. Last evaluated: 2019-01-22. Review status: criteria provided, single submitter. Criteria: GeneDx Variant Classification Process June 2021. Collection method: clinical testing. Allele origin: germline. Affected: yes.